The following is an entry in ClinVar:

NM_003803.4(MYOM1):c.1022G>T (p.Gly341Val)

Gene: MYOM1 (myomesin 1; minus strand). Cytogenetic location: 18p11.31.
Variant type: single nucleotide variant.
Coding change: c.1022G>T on transcript NM_003803.4 (MANE Select); coding-DNA position 1022, G replaced by T.
Protein change: p.Gly341Val; replaces glycine 341 with valine.
Molecular consequence: missense variant.
Genome position (GRCh38, 1-based): chr18:3,176,042, C>A on the plus strand (G>T on the coding strand, the complement: MYOM1 is on the minus strand). VCF-style: chr18-3176042-C-A. GRCh37 (hg19) VCF-style: chr18-3176040-C-A.
Other names: c.1022G>T, p.Gly341Val (NM_019856.2); short protein forms G341V.
Identifiers: ClinVar variation 3666286 (VCV003666286.2).

ClinVar aggregate classification (germline): Uncertain significance (1 of 4 stars; one submission).

Conditions:
Hypertrophic cardiomyopathy. Also called: HYPERTROPHIC MYOCARDIOPATHY. Identifiers: Orphanet 217569, MedGen C0007194, MeSH D002312, MONDO:0005045, HP:0001639.

gnomAD v4.1: 43 of 1,560,568 alleles (0.0028%); highest among the groups gnomAD compares: Non-Finnish European, 0.0038%; no homozygotes.

Submission:

Labcorp Genetics (formerly Invitae), Labcorp
Classification: Uncertain significance for Hypertrophic cardiomyopathy. Last evaluated: 2024-05-11. Review status: criteria provided, single submitter. Criteria: Invitae Variant Classification Sherloc (09022015). Collection method: clinical testing. Allele origin: germline.
Comment: This sequence change replaces glycine, which is neutral and non-polar, with valine, which is neutral and non-polar, at codon 341 of the MYOM1 protein (p.Gly341Val). This variant also falls at the last nucleotide of exon 6, which is part of the consensus splice site for this exon. The frequency data for this variant in the population databases is considered unreliable, as metrics indicate poor data quality at this position in the gnomAD database. This variant has not been reported in the literature in individuals affected with MYOM1-related conditions. An algorithm developed to predict the effect of missense changes on protein structure and function (PolyPhen-2) suggests that this variant is likely to be tolerated. Variants that disrupt the consensus splice site are a relatively common cause of aberrant splicing (PMID: 17576681, 9536098). Algorithms developed to predict the effect of sequence changes on RNA splicing suggest that this variant may disrupt the consensus splice site. In summary, the available evidence is currently insufficient to determine the role of this variant in disease. Therefore, it has been classified as a Variant of Uncertain Significance.

Literature cited by the submitters: PubMed 17576681; PubMed 9536098.